The following is an entry in ClinVar:

ClinVar aggregate classification (germline): Likely benign (0 of 4 stars; one submission).

Conditions:
PTPN14-related disorder. Also called: PTPN14-related condition.

Allele frequency attached by ClinVar (database versions not stated): 1000 Genomes Project 0.00060; 1000 Genomes Project 30x 0.00062; ESP Exome Variant Server 0.00123; ExAC 0.00126; TOPMed 0.00131; gnomAD 0.00133; gnomAD exomes 0.00174.
gnomAD v4.1: 2,723 of 1,614,108 alleles (0.17%); highest among the groups gnomAD compares: Non-Finnish European, 0.21%; 1 homozygote.

Submissions (3):

PreventionGenetics, part of Exact Sciences
Classification: Likely benign for PTPN14-related condition. Last evaluated: 2022-12-19. Review status: no assertion criteria provided. Collection method: clinical testing. Allele origin: germline.
Comment: This variant is classified as likely benign based on ACMG/AMP sequence variant interpretation guidelines (Richards et al. 2015 PMID: 25741868, with internal and published modifications).

Dr. Peter K. Rogan Lab, Western University
No classification provided (evidence only). Condition: Melanoma. Review status: no classification provided. Collection method: in vitro. Allele origin: not applicable. Functional consequence: skipped exon. Not counted in ClinVar's aggregate classification.

Dr. Peter K. Rogan Lab, Western University
No classification provided (evidence only). Condition: Melanoma. Review status: no classification provided. Collection method: in vitro. Allele origin: not applicable. Functional consequence: retained intron. Not counted in ClinVar's aggregate classification.

NM_005401.5(PTPN14):c.1471C>T (p.Arg491Trp)

Gene: PTPN14 (protein tyrosine phosphatase non-receptor type 14; minus strand). Cytogenetic location: 1q32.3.
Variant type: single nucleotide variant.
Coding change: c.1471C>T on transcript NM_005401.5 (MANE Select); coding-DNA position 1471, C replaced by T.
Protein change: p.Arg491Trp; replaces arginine 491 with tryptophan.
Molecular consequence: missense variant.
Genome position (GRCh38, 1-based): chr1:214,384,384, G>A on the plus strand (C>T on the coding strand, the complement: PTPN14 is on the minus strand). VCF-style: chr1-214384384-G-A. GRCh37 (hg19) VCF-style: chr1-214557727-G-A.
Other names: NC_000001.10:g.214557727G>A; short protein forms R491W.
Identifiers: ClinVar variation 3041618 (VCV003041618.3), dbSNP rs138557012, ClinGen allele CA1389098.